The following is an entry in ClinVar:

ClinVar aggregate classification (germline): Pathogenic (1 of 4 stars; one submission).

Conditions:
Duchenne muscular dystrophy (DMD). Also called: MUSCULAR DYSTROPHY, PSEUDOHYPERTROPHIC PROGRESSIVE, DUCHENNE TYPE; Duchenne Muscular Dystrophy (DMD). Identifiers: Orphanet 98896, MedGen C0013264, MONDO:0010679, OMIM 310200.

Submission:

Labcorp Genetics (formerly Invitae), Labcorp
Classification: Pathogenic for Duchenne muscular dystrophy. Last evaluated: 2021-07-28. Review status: criteria provided, single submitter. Criteria: Invitae Variant Classification Sherloc (09022015). Collection method: clinical testing. Allele origin: germline.
Comment: For these reasons, this variant has been classified as Pathogenic. This variant has not been reported in the literature in individuals affected with DMD-related conditions. This variant results in a copy number gain of the genomic region encompassing exon(s) 2-18 of the DMD gene. While the exact position of this variant cannot be determined from the data, sub-genic copy number gains are generally in tandem (PMID: 25640679). This variant is predicted to be out-of-frame, and may result in an absent or disrupted protein product. Loss-of-function variants in DMD are known to be pathogenic (PMID: 16770791, 25007885).

Literature cited by the submitters: PubMed 25640679; PubMed 16770791; PubMed 25007885.

NC_000023.10:g.(?_32536105)_(33038337_?)dup

Genes: DMD (dystrophin; minus strand), MIR3915 (microRNA 3915; minus strand), MIR548F5 (microRNA 548f-5; minus strand). Cytogenetic location: Xp21.1.
Variant type: Duplication.
Identifiers: ClinVar variation 455836 (VCV000455836.6).